The following is an entry in ClinVar:

ClinVar aggregate classification (germline): Uncertain significance. Review status: criteria provided, multiple submitters, no conflicts (2 of 4 stars). 2 submissions from 2 submitters: Uncertain significance (2). Last evaluated 2022-08-09.

Conditions:
Rienhoff syndrome. Also called: LOEYS-DIETZ SYNDROME 5. Identifiers: MedGen C3810012, MONDO:0014262, OMIM 615582.

gnomAD v4.1: 1 of 1,614,136 alleles (0.000062%); highest among the groups gnomAD compares: Non-Finnish European, 0.000085%; no homozygotes.

Submissions (2):

Labcorp Genetics (formerly Invitae), Labcorp
Classification: Uncertain significance for Rienhoff syndrome. Last evaluated: 2022-08-09. Review status: criteria provided, single submitter. Criteria: Invitae Variant Classification Sherloc (09022015). Collection method: clinical testing. Allele origin: germline.
Comment: ClinVar contains an entry for this variant (Variation ID: 1040756). In summary, the available evidence is currently insufficient to determine the role of this variant in disease. Therefore, it has been classified as a Variant of Uncertain Significance. Algorithms developed to predict the effect of missense changes on protein structure and function (SIFT, PolyPhen-2, Align-GVGD) all suggest that this variant is likely to be tolerated. This variant has not been reported in the literature in individuals affected with TGFB3-related conditions. This variant is not present in population databases (gnomAD no frequency). This sequence change replaces isoleucine, which is neutral and non-polar, with leucine, which is neutral and non-polar, at codon 180 of the TGFB3 protein (p.Ile180Leu).

GeneDx
Classification: Uncertain significance. Last evaluated: 2020-09-23. Review status: criteria provided, single submitter. Criteria: GeneDx Variant Classification Process June 2021. Collection method: clinical testing. Allele origin: germline. Affected: yes.
Comment: Not observed in large population cohorts (Lek et al., 2016); In silico analysis supports that this missense variant does not alter protein structure/function; Has not been previously published as pathogenic or benign to our knowledge

NM_003239.5(TGFB3):c.538A>C (p.Ile180Leu)

Gene: TGFB3 (transforming growth factor beta 3; minus strand). Cytogenetic location: 14q24.3.
Variant type: single nucleotide variant.
Coding change: c.538A>C on transcript NM_003239.5 (MANE Select); coding-DNA position 538, A replaced by C.
Protein change: p.Ile180Leu; replaces isoleucine 180 with leucine.
Molecular consequence: missense variant.
Genome position (GRCh38, 1-based): chr14:75,971,234, T>G on the plus strand (A>C on the coding strand, the complement: TGFB3 is on the minus strand). VCF-style: chr14-75971234-T-G. GRCh37 (hg19) VCF-style: chr14-76437577-T-G.
Other names: c.538A>C, p.Ile180Leu (NM_001329938.2, NM_001329939.2); short protein forms I180L.
Identifiers: ClinVar variation 1040756 (VCV001040756.11), dbSNP rs2035287327, ClinGen allele CA390469648.